The following is an entry in ClinVar:

ClinVar aggregate classification (germline): Uncertain significance. Review status: criteria provided, multiple submitters, no conflicts (2 of 4 stars). 3 submissions from 3 submitters: Uncertain significance (2). 1 of the submissions does not count toward it. Last evaluated 2023-04-11.

Conditions:
Retinal dystrophy. Also called: Inherited retinal dystrophy. Identifiers: Orphanet 71862, MedGen C0854723, MeSH D058499, MONDO:0019118, HP:0000556.

Allele frequency attached by ClinVar (database versions not stated): TOPMed 0.00002; gnomAD 0.00003; gnomAD exomes 0.00003 and 0.00004; ExAC 0.00004; ESP Exome Variant Server 0.00008.
gnomAD v4.1: 62 of 1,600,980 alleles (0.0039%); highest among the groups gnomAD compares: Non-Finnish European, 0.0052%; no homozygotes.

Submissions (3):

Blueprint Genetics
Classification: Uncertain significance. Last evaluated: 2023-04-11. Review status: criteria provided, single submitter. Criteria: ACMG Guidelines, 2015. Collection method: clinical testing. Allele origin: germline.

Labcorp Genetics (formerly Invitae), Labcorp
Classification: Uncertain significance. Last evaluated: 2022-10-08. Review status: criteria provided, single submitter. Criteria: Invitae Variant Classification Sherloc (09022015). Collection method: clinical testing. Allele origin: germline.
Comment: This sequence change replaces asparagine, which is neutral and polar, with lysine, which is basic and polar, at codon 652 of the PDE6C protein (p.Asn652Lys). This variant is present in population databases (rs370842108, gnomAD 0.007%). This variant has not been reported in the literature in individuals affected with PDE6C-related conditions. ClinVar contains an entry for this variant (Variation ID: 1057238). Advanced modeling of protein sequence and biophysical properties (such as structural, functional, and spatial information, amino acid conservation, physicochemical variation, residue mobility, and thermodynamic stability) performed at Invitae indicates that this missense variant is not expected to disrupt PDE6C protein function. In summary, the available evidence is currently insufficient to determine the role of this variant in disease. Therefore, it has been classified as a Variant of Uncertain Significance.

Institute of Human Genetics, Univ. Regensburg, Univ. Regensburg
Classification: Uncertain significance for Retinal dystrophy. Last evaluated: 2022-01-01. Review status: no assertion criteria provided. Criteria: ACMG Guidelines, 2015. Collection method: clinical testing. Allele origin: germline. Affected: yes. Not counted in ClinVar's aggregate classification.

NM_006204.4(PDE6C):c.1956C>A (p.Asn652Lys)

Gene: PDE6C (phosphodiesterase 6C; plus strand). Cytogenetic location: 10q23.33.
Variant type: single nucleotide variant.
Coding change: c.1956C>A on transcript NM_006204.4 (MANE Select); coding-DNA position 1956, C replaced by A.
Protein change: p.Asn652Lys; replaces asparagine 652 with lysine.
Molecular consequence: missense variant.
Genome position (GRCh38, 1-based): chr10:93,655,780, C>A. VCF-style: chr10-93655780-C-A. GRCh37 (hg19) VCF-style: chr10-95415537-C-A.
Other names: short protein forms N652K.
Identifiers: ClinVar variation 1057238 (VCV001057238.6), dbSNP rs370842108, ClinGen allele CA5610354.